The following is an entry in ClinVar:

NM_000057.4(BLM):c.1209G>C (p.Gln403His)

Gene: BLM (BLM RecQ like helicase; plus strand). Cytogenetic location: 15q26.1.
Variant type: single nucleotide variant.
Coding change: c.1209G>C on transcript NM_000057.4 (MANE Select); coding-DNA position 1209, G replaced by C.
Protein change: p.Gln403His; replaces glutamine 403 with histidine.
Molecular consequence: missense variant.
Genome position (GRCh38, 1-based): chr15:90,760,268, G>C. VCF-style: chr15-90760268-G-C. GRCh37 (hg19) VCF-style: chr15-91303498-G-C.
Other names: c.1209G>C, p.Gln403His (NM_001287246.2, NM_001287247.2); c.84G>C, p.Gln28His (NM_001287248.2); c.1209G>C (NM_000057.3, LRG_20t1); short protein forms Q403H, Q28H.
Identifiers: ClinVar variation 485353 (VCV000485353.15), dbSNP rs1555419741, ClinGen allele CA393842555.

ClinVar aggregate classification (germline): Conflicting classifications of pathogenicity. Review status: criteria provided, conflicting classifications (1 of 4 stars). 5 submissions from 5 submitters: Uncertain significance (4); Likely benign (1). Last evaluated 2024-10-18.

Conditions:
BLM-related disorder. Also called: BLM-related condition.
Hereditary cancer-predisposing syndrome. Also called: Neoplastic Syndromes, Hereditary; Hereditary Cancer Syndrome; Tumor predisposition; Hereditary neoplastic syndrome. Identifiers: Orphanet 140162, MedGen C0027672, MeSH D009386, MONDO:0015356.
Bloom syndrome (BLM). Also called: Bloom-Torre-Machacek syndrome. Identifiers: Orphanet 125, MedGen C0005859, MONDO:0008876, OMIM 210900.

Allele frequency attached by ClinVar (database versions not stated): gnomAD exomes below 0.00001.
gnomAD v4.1: 1 of 1,614,056 alleles (0.000062%); highest among the groups gnomAD compares: Non-Finnish European, 0.000085%; no homozygotes.

Submissions (5):

PreventionGenetics, part of Exact Sciences
Classification: Uncertain significance for BLM-related condition. Last evaluated: 2024-10-18. Review status: criteria provided, single submitter. Criteria: ACMG Guidelines, 2015. Collection method: clinical testing. Allele origin: germline.
Comment: The BLM c.1209G>C variant is predicted to result in the amino acid substitution p.Gln403His. To our knowledge, this variant has not been reported in the literature or in a large population database (gnomAD), indicating this variant is rare. This variants has classifications of likely benign and uncertain significance in ClinVar. At this time, the clinical significance of this variant is uncertain due to the absence of conclusive functional and genetic evidence.

Ambry Genetics
Classification: Likely benign for Hereditary cancer-predisposing syndrome. Last evaluated: 2024-03-14. Review status: criteria provided, single submitter. Criteria: Ambry Variant Classification Scheme 2023. Collection method: clinical testing. Allele origin: germline.

GeneDx
Classification: Uncertain significance. Last evaluated: 2024-01-26. Review status: criteria provided, single submitter. Criteria: GeneDx Variant Classification Process June 2021. Collection method: clinical testing. Allele origin: germline. Affected: yes.
Comment: Not observed at significant frequency in large population cohorts (gnomAD); In silico analysis supports that this missense variant does not alter protein structure/function; Has not been previously published as pathogenic or benign to our knowledge

Quest Diagnostics Nichols Institute San Juan Capistrano
Classification: Uncertain significance. Last evaluated: 2023-12-14. Review status: criteria provided, single submitter. Criteria: Quest Diagnostics criteria. Collection method: clinical testing. Allele origin: unknown.
Comment: The BLM c.1209G>C (p.Gln403His) variant has not been reported in the published literature. It also has not been reported in large, multi-ethnic general populations (Genome Aggregation Database). Analysis of this variant using bioinformatics tools for the prediction of the effect of amino acid changes on protein structure and function yielded predictions that this variant is benign. Based on the available information, we are unable to determine the clinical significance of this variant.

Labcorp Genetics (formerly Invitae), Labcorp
Classification: Uncertain significance for Bloom syndrome. Last evaluated: 2023-05-27. Review status: criteria provided, single submitter. Criteria: Invitae Variant Classification Sherloc (09022015). Collection method: clinical testing. Allele origin: germline.
Comment: This sequence change replaces glutamine, which is neutral and polar, with histidine, which is basic and polar, at codon 403 of the BLM protein (p.Gln403His). In summary, the available evidence is currently insufficient to determine the role of this variant in disease. Therefore, it has been classified as a Variant of Uncertain Significance. Advanced modeling of protein sequence and biophysical properties (such as structural, functional, and spatial information, amino acid conservation, physicochemical variation, residue mobility, and thermodynamic stability) performed at Invitae indicates that this missense variant is not expected to disrupt BLM protein function. ClinVar contains an entry for this variant (Variation ID: 485353). This variant has not been reported in the literature in individuals affected with BLM-related conditions. This variant is not present in population databases (gnomAD no frequency).

Literature cited by the submitters: PubMed 36179682 (cited by Quest Diagnostics Nichols Institute San Juan Capistrano).